The following is an entry in ClinVar:

ClinVar aggregate classification (germline): Likely benign (1 of 4 stars; one submission).

gnomAD v4.1: 3 of 1,613,988 alleles (0.00019%); highest among the groups gnomAD compares: Non-Finnish European, 0.00025%; no homozygotes.

Submission:

CeGaT Center for Human Genetics Tuebingen
Classification: Likely benign. Last evaluated: 2022-03-01. Review status: criteria provided, single submitter. Criteria: CeGaT Center For Human Genetics Tuebingen Variant Classification Criteria Version 2. Collection method: clinical testing. Allele origin: germline. Affected: yes. Observed: 1 variant allele.
Comment: DIAPH1: BP4, BP7

NM_005219.5(DIAPH1):c.3447C>G (p.Val1149=)

Gene: DIAPH1 (diaphanous related formin 1; minus strand). Cytogenetic location: 5q31.3.
Variant type: single nucleotide variant.
Coding change: c.3447C>G on transcript NM_005219.5 (MANE Select); coding-DNA position 3447, C replaced by G.
Protein change: p.Val1149=; no amino-acid change (valine 1149 retained).
Molecular consequence: synonymous variant.
Genome position (GRCh38, 1-based): chr5:141,526,165, G>C on the plus strand (C>G on the coding strand, the complement: DIAPH1 is on the minus strand). VCF-style: chr5-141526165-G-C. GRCh37 (hg19) VCF-style: chr5-140905732-G-C.
Other names: c.3420C>G, p.Val1140= (NM_001079812.3); c.3447C>G, p.Val1149= (NM_001314007.2).
Identifiers: ClinVar variation 2655868 (VCV002655868.24), dbSNP rs1373857096, ClinGen allele CA447043402.
Genomic context (GRCh38, chr5:141,526,165, plus strand): 5'-CTTGGCTAGTTTTGCTCGCCTCATCTTTTCTTCTGTCTCCCGCCGCTTCTGGTTCTCCTT[G>C]ACTGCTTGCTGGGGCAGGGAAGAGGAGGAAGGAACACATGGGCATTGTATACCTACTACC-3'
Protein context (NP_005210.3, residues 1139-1159): HNFRNMFLQA[Val1149=]KENQKRRETE